The following is an entry in ClinVar:

ClinVar aggregate classification (germline): Likely benign. Review status: criteria provided, multiple submitters, no conflicts (2 of 4 stars). 2 submissions from 2 submitters: Likely benign (2). Last evaluated 2026-05-22.

Conditions:
KAT6B-related disorder. Also called: KAT6B-related disorders; KAT6B-related condition.
Genitopatellar syndrome (GTPTS). Also called: ABSENT PATELLAE, SCROTAL HYPOPLASIA, RENAL ANOMALIES, FACIAL DYSMORPHISM, AND MENTAL RETARDATION; Genitopatellar syndrome (GPS). Identifiers: Orphanet 85201, MedGen C1853566, MONDO:0011640, OMIM 606170.

Allele frequency attached by ClinVar (database versions not stated): gnomAD 0.00001; gnomAD exomes 0.00001 and 0.00002; ExAC 0.00002; TOPMed 0.00003.
gnomAD v4.1: 9 of 1,612,080 alleles (0.00056%); highest among the groups gnomAD compares: Middle Eastern, 0.018%; no homozygotes.

Submissions (2):

PreventionGenetics, part of Exact Sciences
Classification: Likely benign for KAT6B-related condition. Last evaluated: 2026-05-22. Review status: criteria provided, single submitter. Criteria: ACMG Guidelines, 2015. Collection method: clinical testing. Allele origin: germline.
Comment: This variant is classified as likely benign based on ACMG/AMP sequence variant interpretation guidelines (Richards et al. 2015 PMID: 25741868, with internal and published modifications).

Labcorp Genetics (formerly Invitae), Labcorp
Classification: Likely benign for Genitopatellar syndrome. Last evaluated: 2025-07-07. Review status: criteria provided, single submitter. Criteria: Invitae Variant Classification Sherloc (09022015). Collection method: clinical testing. Allele origin: germline.

NM_012330.4(KAT6B):c.609T>C (p.His203=)

Gene: KAT6B (lysine acetyltransferase 6B; plus strand). Cytogenetic location: 10q22.2.
Variant type: single nucleotide variant.
Coding change: c.609T>C on transcript NM_012330.4 (MANE Select); coding-DNA position 609, T replaced by C.
Protein change: p.His203=; no amino-acid change (histidine 203 retained).
Molecular consequence: synonymous variant. On other transcripts: missense variant (2).
Genome position (GRCh38, 1-based): chr10:74,843,466, T>C. VCF-style: chr10-74843466-T-C. GRCh37 (hg19) VCF-style: chr10-76603224-T-C.
Other names: c.609T>C (NM_012330.3); c.609T>C, p.His203= (NM_001256468.2, NM_001256469.2, NM_001370132.1 and 10 more transcripts); c.71T>C, p.Met24Thr (NM_001370134.1, NM_001370135.1); short protein forms M24T.
Identifiers: ClinVar variation 1543723 (VCV001543723.7), dbSNP rs766064284, ClinGen allele CA5564245.